The following is an entry in ClinVar:

ClinVar aggregate classification (germline): Uncertain significance. Review status: criteria provided, multiple submitters, no conflicts (2 of 4 stars). 2 submissions from 2 submitters: Uncertain significance (2). Last evaluated 2023-10-05.

Conditions:
Inborn genetic diseases. Identifiers: MedGen C0950123, MeSH D030342.

Allele frequency attached by ClinVar (database versions not stated): TOPMed 0.00006; ESP Exome Variant Server 0.00008; gnomAD 0.00008; gnomAD exomes 0.00014; ExAC 0.00023; 1000 Genomes Project 30x 0.00031; 1000 Genomes Project 0.00040.
gnomAD v4.1: 213 of 1,613,588 alleles (0.013%); highest among the groups gnomAD compares: East Asian, 0.071%; 1 homozygote.

Submissions (2):

Ambry Genetics
Classification: Uncertain significance for Inborn genetic diseases. Last evaluated: 2023-10-05. Review status: criteria provided, single submitter. Criteria: Ambry Variant Classification Scheme 2023. Collection method: clinical testing. Allele origin: germline.

Labcorp Genetics (formerly Invitae), Labcorp
Classification: Uncertain significance. Last evaluated: 2022-08-21. Review status: criteria provided, single submitter. Criteria: Invitae Variant Classification Sherloc (09022015). Collection method: clinical testing. Allele origin: germline.
Comment: This sequence change replaces alanine, which is neutral and non-polar, with valine, which is neutral and non-polar, at codon 164 of the SLC18A2 protein (p.Ala164Val). This variant is present in population databases (rs184073241, gnomAD 0.08%). This variant has not been reported in the literature in individuals affected with SLC18A2-related conditions. Algorithms developed to predict the effect of missense changes on protein structure and function output the following: SIFT: "Tolerated"; PolyPhen-2: "Benign"; Align-GVGD: "Class C0". The valine amino acid residue is found in multiple mammalian species, which suggests that this missense change does not adversely affect protein function. In summary, the available evidence is currently insufficient to determine the role of this variant in disease. Therefore, it has been classified as a Variant of Uncertain Significance.

NM_003054.6(SLC18A2):c.491C>T (p.Ala164Val)

Gene: SLC18A2 (solute carrier family 18 member A2; plus strand). Cytogenetic location: 10q25.3.
Variant type: single nucleotide variant.
Coding change: c.491C>T on transcript NM_003054.6 (MANE Select); coding-DNA position 491, C replaced by T.
Protein change: p.Ala164Val; replaces alanine 164 with valine.
Molecular consequence: missense variant.
Genome position (GRCh38, 1-based): chr10:117,253,425, C>T. VCF-style: chr10-117253425-C-T. GRCh37 (hg19) VCF-style: chr10-119012936-C-T.
Other names: c.491C>T (NM_003054.4); short protein forms A164V.
Identifiers: ClinVar variation 2140222 (VCV002140222.2), dbSNP rs184073241, ClinGen allele CA5710296.